The following is an entry in ClinVar:

ClinVar aggregate classification (germline): Conflicting classifications of pathogenicity. Review status: criteria provided, conflicting classifications (1 of 4 stars). 2 submissions from 2 submitters: Uncertain significance (1); Likely benign (1). Last evaluated 2025-02-27.

Conditions:
POLD1-related polyposis and colorectal cancer syndrome (CRCS10). Also called: Colorectal cancer 10; COLORECTAL CANCER, SUSCEPTIBILITY TO, ON CHROMOSOME 19q; Colorectal cancer, susceptibility to, 10. Identifiers: Orphanet 220460, MedGen C2675481, MONDO:0012953, OMIM 612591.
Hereditary cancer-predisposing syndrome. Also called: Hereditary Cancer Syndrome; Hereditary neoplastic syndrome; Neoplastic Syndromes, Hereditary; Tumor predisposition. Identifiers: Orphanet 140162, MedGen C0027672, MeSH D009386, MONDO:0015356.

Submissions (2):

Ambry Genetics
Classification: Uncertain significance for Hereditary cancer-predisposing syndrome. Last evaluated: 2025-02-27. Review status: criteria provided, single submitter. Criteria: Ambry Variant Classification Scheme 2023. Collection method: clinical testing. Allele origin: germline.
Comment: The c.888C>G variant (also known as p.V296V), located in coding exon 7 of the POLD1 gene, results from a C to G substitution at nucleotide position 888. This nucleotide substitution does not change the valine at codon 296. This nucleotide position is well conserved in available vertebrate species. In silico splice site analysis predicts that this alteration will result in the creation or strengthening of a novel splice donor site. Based on the available evidence, the clinical significance of this variant remains unclear.

Labcorp Genetics (formerly Invitae), Labcorp
Classification: Likely benign for POLD1-related polyposis and colorectal cancer syndrome. Last evaluated: 2022-02-18. Review status: criteria provided, single submitter. Criteria: Invitae Variant Classification Sherloc (09022015). Collection method: clinical testing. Allele origin: germline.

NM_002691.4(POLD1):c.888C>G (p.Val296=)

Gene: POLD1 (DNA polymerase delta 1, catalytic subunit; plus strand). Cytogenetic location: 19q13.33.
Variant type: single nucleotide variant.
Coding change: c.888C>G on transcript NM_002691.4 (MANE Select); coding-DNA position 888, C replaced by G.
Protein change: p.Val296=; no amino-acid change (valine 296 retained).
Molecular consequence: synonymous variant. On other transcripts: non-coding transcript variant (1).
Genome position (GRCh38, 1-based): chr19:50,402,659, C>G. VCF-style: chr19-50402659-C-G. GRCh37 (hg19) VCF-style: chr19-50905916-C-G.
Other names: c.888C>G, p.Val296= (NM_001256849.1, NM_001308632.1); c.888C>G (NM_002691.2).
Identifiers: ClinVar variation 1638729 (VCV001638729.9), dbSNP rs2038700262, ClinGen allele CA508181916.